The following is an entry in ClinVar:

ClinVar aggregate classification (germline): Uncertain significance (1 of 4 stars; one submission).

Submission:

CeGaT Center for Human Genetics Tuebingen
Classification: Uncertain significance. Last evaluated: 2024-10-01. Review status: criteria provided, single submitter. Criteria: CeGaT Center For Human Genetics Tuebingen Variant Classification Criteria Version 2. Collection method: clinical testing. Allele origin: germline. Affected: yes. Observed: 1 variant allele.
Comment: NFIA: PM2, PP3

NM_001134673.4(NFIA):c.401T>G (p.Val134Gly)

Gene: NFIA (nuclear factor I A; plus strand). Cytogenetic location: 1p31.3.
Variant type: single nucleotide variant.
Coding change: c.401T>G on transcript NM_001134673.4 (MANE Select); coding-DNA position 401, T replaced by G.
Protein change: p.Val134Gly; replaces valine 134 with glycine.
Molecular consequence: missense variant.
Genome position (GRCh38, 1-based): chr1:61,088,522, T>G. VCF-style: chr1-61088522-T-G. GRCh37 (hg19) VCF-style: chr1-61554194-T-G.
Other names: c.377T>G, p.Val126Gly (NM_001145511.2); c.536T>G, p.Val179Gly (NM_001145512.2); c.401T>G, p.Val134Gly (NM_005595.5); short protein forms V126G, V134G, V179G.
Identifiers: ClinVar variation 3390034 (VCV003390034.14).